The following is an entry in ClinVar:

ClinVar aggregate classification (germline): Uncertain significance (1 of 4 stars; one submission).

Conditions:
KIF1C-related disorder. Also called: KIF1C-related condition.

gnomAD v4.1: 18 of 1,606,938 alleles (0.0011%); highest among the groups gnomAD compares: Admixed American, 0.0017%; no homozygotes.

Submission:

PreventionGenetics, part of Exact Sciences
Classification: Uncertain significance for KIF1C-related condition. Last evaluated: 2022-12-15. Review status: criteria provided, single submitter. Criteria: ACMG Guidelines, 2015. Collection method: clinical testing. Allele origin: germline.
Comment: The KIF1C c.449A>C variant is predicted to result in the amino acid substitution p.Tyr150Ser. To our knowledge, this variant has not been reported in the literature. This variant is reported in 0.0029% of alleles in individuals of Latino descent in gnomAD. At this time, the clinical significance of this variant is uncertain due to the absence of conclusive functional and genetic evidence.

NM_006612.6(KIF1C):c.449A>C (p.Tyr150Ser)

Gene: KIF1C (kinesin family member 1C; plus strand). Cytogenetic location: 17p13.2.
Variant type: single nucleotide variant.
Coding change: c.449A>C on transcript NM_006612.6 (MANE Select); coding-DNA position 449, A replaced by C.
Protein change: p.Tyr150Ser; replaces tyrosine 150 with serine.
Molecular consequence: missense variant.
Genome position (GRCh38, 1-based): chr17:5,002,483, A>C. VCF-style: chr17-5002483-A-C. GRCh37 (hg19) VCF-style: chr17-4905778-A-C.
Other names: short protein forms Y150S.
Identifiers: ClinVar variation 2629786 (VCV002629786.1), dbSNP rs756493686, ClinGen allele CA8318575.
Genomic context (GRCh38, chr17:5,002,483, plus strand): 5'-TTTGCTAGTTTTGTTACTTCTCATTTGCTTCTCCCACTCAGGTGAGCTATATGGAGATCT[A>C]CTGTGAGCGGGTACGAGACCTCTTGAACCCCAAGAGTCGGGGTTCTCTGCGGGTCCGGGA-3'
Protein context (NP_006603.2, residues 140-160): YSVEVSYMEI[Tyr150Ser]CERVRDLLNP